The following is an entry in ClinVar:

NM_024589.3(ROGDI):c.250C>T (p.Gln84Ter)

Gene: ROGDI (rogdi atypical leucine zipper; minus strand). Cytogenetic location: 16p13.3.
Variant type: single nucleotide variant.
Coding change: c.250C>T on transcript NM_024589.3 (MANE Select); coding-DNA position 250, C replaced by T.
Protein change: p.Gln84Ter; replaces glutamine 84 with a stop codon.
Molecular consequence: nonsense.
Genome position (GRCh38, 1-based): chr16:4,801,272, G>A on the plus strand (C>T on the coding strand, the complement: ROGDI is on the minus strand). VCF-style: chr16-4801272-G-A. GRCh37 (hg19) VCF-style: chr16-4851273-G-A.
Other names: short protein forms Q84*.
Identifiers: ClinVar variation 1453951 (VCV001453951.6), dbSNP rs2082712944, ClinGen allele CA394654874.

ClinVar aggregate classification (germline): Pathogenic (1 of 4 stars; one submission).

Conditions:
Amelocerebrohypohidrotic syndrome (KTZS). Also called: Kohlschutter's syndrome; EPILEPSY AND YELLOW TEETH; EPILEPSY, DEMENTIA, AND AMELOGENESIS IMPERFECTA; KOHLSCHUTTER SYNDROME. Identifiers: Orphanet 1946, MedGen C0406740, MONDO:0009185, OMIM 226750.

Allele frequency attached by ClinVar (database versions not stated): gnomAD 0.00001.

Submission:

Labcorp Genetics (formerly Invitae), Labcorp
Classification: Pathogenic for Amelocerebrohypohidrotic syndrome. Last evaluated: 2022-07-26. Review status: criteria provided, single submitter. Criteria: Invitae Variant Classification Sherloc (09022015). Collection method: clinical testing. Allele origin: germline.
Comment: ClinVar contains an entry for this variant (Variation ID: 1453951). For these reasons, this variant has been classified as Pathogenic. Algorithms developed to predict the effect of sequence changes on RNA splicing suggest that this variant may disrupt the consensus splice site. This variant has not been reported in the literature in individuals affected with ROGDI-related conditions. This variant is not present in population databases (gnomAD no frequency). This sequence change creates a premature translational stop signal (p.Gln84*) in the ROGDI gene. It is expected to result in an absent or disrupted protein product. Loss-of-function variants in ROGDI are known to be pathogenic (PMID: 22424600, 23086778).

Literature cited by the submitters: PubMed 22424600; PubMed 23086778.